The following is an entry in ClinVar:

ClinVar aggregate classification (germline): Benign/Likely benign. Review status: criteria provided, multiple submitters, no conflicts (2 of 4 stars). 5 submissions from 4 submitters: Benign (4); Likely benign (1). Last evaluated 2026-01-25.

Conditions:
Fibromuscular dysplasia, multifocal. Identifiers: MedGen C5543412, MONDO:0859151, OMIM 619329.
Ehlers-Danlos syndrome, classic type, 1 (EDSCL1). Also called: Ehlers-Danlos Syndrome, Classic Type, COL5A1-Related; EHLERS-DANLOS SYNDROME, GRAVIS TYPE; EHLERS-DANLOS SYNDROME, SEVERE CLASSIC TYPE; Ehlers-Danlos syndrome, type 1; EDS I. Identifiers: MedGen C0268335, MONDO:0019567, OMIM 130000.

Allele frequency attached by ClinVar (database versions not stated): gnomAD 0.00009 and 0.00008; TOPMed 0.00008; ESP Exome Variant Server 0.00008; ExAC 0.00012; gnomAD exomes 0.00019 and 0.00010.
gnomAD v4.1: 285 of 1,613,546 alleles (0.018%); highest among the groups gnomAD compares: Non-Finnish European, 0.022%; no homozygotes.

Submissions (5):

Labcorp Genetics (formerly Invitae), Labcorp
Classification: Likely benign for Ehlers-Danlos syndrome, classic type, 1. Last evaluated: 2026-01-25. Review status: criteria provided, single submitter. Criteria: Invitae Variant Classification Sherloc (09022015). Collection method: clinical testing. Allele origin: germline.

Women's Health and Genetics/Laboratory Corporation of America, LabCorp
Classification: Benign. Last evaluated: 2025-03-17. Review status: criteria provided, single submitter. Criteria: LabCorp Variant Classification Summary - May 2015. Collection method: clinical testing. Allele origin: germline.
Comment: Variant summary: COL5A1 c.1935+12C>T alters a non-conserved nucleotide located at a position not widely known to affect splicing. Consensus agreement among computation tools predict no significant impact on normal splicing. However, these predictions have yet to be confirmed by functional studies. The variant allele was found at a frequency of 0.0001 in 251126 control chromosomes. The observed variant frequency is approximately 3 fold of the estimated maximal expected allele frequency for a pathogenic variant in COL5A1 causing Ehlers-Danlos syndrome, classic type, Ehlers-Danlos syndrome, classic type, 1 phenotype (3.1e-05). To our knowledge, no occurrence of c.1935+12C>T in individuals affected with Ehlers-Danlos syndrome, classic type, Ehlers-Danlos syndrome, classic type, 1 and no experimental evidence demonstrating its impact on protein function have been reported. ClinVar contains an entry for this variant (Variation ID: 212885). Based on the evidence outlined above, the variant was classified as benign.

Genome-Nilou Lab
Classification: Benign for Ehlers-Danlos syndrome, classic type, 1. Last evaluated: 2022-03-15. Review status: criteria provided, single submitter. Criteria: ACMG Guidelines, 2015. Collection method: clinical testing. Allele origin: germline. Affected: no.

Genome-Nilou Lab
Classification: Benign for Fibromuscular dysplasia, multifocal. Last evaluated: 2022-03-15. Review status: criteria provided, single submitter. Criteria: ACMG Guidelines, 2015. Collection method: clinical testing. Allele origin: germline. Affected: no.

GeneDx
Classification: Benign. Last evaluated: 2014-11-18. Review status: criteria provided, single submitter. Criteria: GeneDx Variant Classification (06012015). Collection method: clinical testing. Allele origin: germline. Affected: yes.
Comment: This variant is considered likely benign or benign based on one or more of the following criteria: it is a conservative change, it occurs at a poorly conserved position in the protein, it is predicted to be benign by multiple in silico algorithms, and/or has population frequency not consistent with disease.

NM_000093.5(COL5A1):c.1935+12C>T

Gene: COL5A1 (collagen type V alpha 1 chain; plus strand). Cytogenetic location: 9q34.3.
Variant type: single nucleotide variant.
Coding change: c.1935+12C>T on transcript NM_000093.5 (MANE Select); 12 bases into the intron after coding-DNA position 1935, C replaced by T.
Molecular consequence: intron variant.
Genome position (GRCh38, 1-based): chr9:134,758,308, C>T. VCF-style: chr9-134758308-C-T. GRCh37 (hg19) VCF-style: chr9-137650154-C-T.
Other names: c.1935+12C>T (NM_001278074.1).
Identifiers: ClinVar variation 212885 (VCV000212885.11), dbSNP rs368245632, ClinGen allele CA325238.